The following is an entry in ClinVar:

NM_000051.4(ATM):c.3747-1G>C

Gene: ATM (ATM serine/threonine kinase; plus strand). Cytogenetic location: 11q22.3.
Variant type: single nucleotide variant.
Coding change: c.3747-1G>C on transcript NM_000051.4 (MANE Select); the canonical splice acceptor site of the intron before coding-DNA position 3747, G replaced by C.
Molecular consequence: splice acceptor variant.
Genome position (GRCh38, 1-based): chr11:108,284,226, G>C. VCF-style: chr11-108284226-G-C. GRCh37 (hg19) VCF-style: chr11-108154953-G-C.
Other names: c.3747-1G>C (NM_001351834.2).
Identifiers: ClinVar variation 181950 (VCV000181950.18), dbSNP rs730881364, ClinGen allele CA298228.
Genomic context (GRCh38, chr11:108,284,226, plus strand): 5'-TTATAAAATTTTACTTGGAAAAGTTATATATAACCTGTATTTTAAATTTTTCTATTTTTA[G>C]ATCTTGTTATAAGGTTTTGATTCCACATCTGGTGATTAGAAGTCATTTTGATGAGGTGAA-3'

ClinVar aggregate classification (germline): Pathogenic/Likely pathogenic. Review status: criteria provided, multiple submitters, no conflicts (2 of 4 stars). 6 submissions from 6 submitters: Pathogenic (2); Likely pathogenic (4). Last evaluated 2024-08-28.

Conditions:
Hereditary cancer-predisposing syndrome. Also called: Tumor predisposition; Hereditary Cancer Syndrome; Hereditary neoplastic syndrome; Neoplastic Syndromes, Hereditary. Identifiers: Orphanet 140162, MedGen C0027672, MeSH D009386, MONDO:0015356.
Familial cancer of breast. Also called: BREAST CANCER, FAMILIAL; hereditary breast carcinoma; Hereditary breast cancer. Identifiers: Orphanet 227535, MedGen C0346153, MONDO:0016419, OMIM 114480. Disease mechanism: loss of function.
Ataxia-telangiectasia syndrome (AT). Also called: LOUIS-BAR SYNDROME; Cerebello-oculocutaneous telangiectasia; Immunodeficiency with ataxia telangiectasia; ATAXIA-TELANGIECTASIA, COMPLEMENTATION GROUP A; ATAXIA-TELANGIECTASIA, FRESNO VARIANT; Ataxia-telangiectasia. Identifiers: Orphanet 100, MedGen C0004135, MONDO:0008840, OMIM 208900.

Submissions (6):

Color Diagnostics, LLC DBA Color Health
Classification: Likely pathogenic for Hereditary cancer-predisposing syndrome. Last evaluated: 2024-08-28. Review status: criteria provided, single submitter. Criteria: ACMG Guidelines, 2015. Collection method: clinical testing. Allele origin: germline.
Comment: This variant, also known as IVS25-1G>C, causes a G to V nucleotide substitution at the -1 position of intron 25 in the ATM protein. Splice site prediction tools suggest that this variant may have a significant impact on RNA splicing through loss of a canonical splice site and gain of a cryptic splice site 14 base-pairs downstream. This variant has been reported to impact RNA splicing by external laboratories (ClinVar Accession: SCV001911457.1, SCV000581477.6) and is expected to result in an absent or disrupted protein product. This variant has been reported in an individual affected with ataxia-telangiectasia (PMID: 22213089). ATM protein was absent in patient-derived cells (PMID: 22213089). This variant has also been reported in an individual affected with breast cancer (PMID: 27913932), a family affected with cutaneous melanoma (PMID: 38415270), and two individuals with no personal history of cancer but referred for cancel panel testing based on family history (PMID: 26681312, 28495237). This variant has not been identified in the general population by the Genome Aggregation Database (gnomAD). A different variant affecting the same splice donor site, c.3747-1G>T, is known to be disease-causing (ClinVar Variation ID: 1734510). Loss of ATM function is a known mechanism of disease. Based on the available evidence, this variant is classified as Likely Pathogenic.

Myriad Genetics, Inc.
Classification: Likely pathogenic for Familial cancer of breast. Last evaluated: 2024-01-22. Review status: criteria provided, single submitter. Criteria: Myriad Autosomal Dominant, Autosomal Recessive and X-Linked Classification Criteria (2023). Collection method: clinical testing. Allele origin: unknown.
Comment: This variant is considered likely pathogenic. This variant occurs within a consensus splice junction and is predicted to result in abnormal mRNA splicing of either an out-of-frame exon or an in-frame exon necessary for protein stability and/or normal function.

Ambry Genetics
Classification: Likely pathogenic for Hereditary cancer-predisposing syndrome. Last evaluated: 2023-12-12. Review status: criteria provided, single submitter. Criteria: Ambry Variant Classification Scheme 2023. Collection method: clinical testing. Allele origin: germline.
Comment: The c.3747-1G>C intronic variant results from a G to C substitution one nucleotide upstream from coding exon 25 of the ATM gene. This alteration was identified within a cohort of individuals undergoing ATM genetic testing based on a diagnosis of ataxia-telangiectasia (Verhagen MM et al. Hum Mutat, 2012 Mar;33:561-71). This nucleotide position is highly conserved in available vertebrate species. In silico splice site analysis predicts that this alteration will weaken the native splice acceptor site and will result in the creation or strengthening of a novel splice acceptor site. RNA studies have demonstrated that this alteration results in abnormal splicing in the set of samples tested (Ambry internal data). Alterations that disrupt the canonical splice site are expected to cause aberrant splicing, resulting in an abnormal protein or a transcript that is subject to nonsense-mediated mRNA decay. As such, this alteration is classified as likely pathogenic.

Labcorp Genetics (formerly Invitae), Labcorp
Classification: Likely pathogenic for Ataxia-telangiectasia syndrome. Last evaluated: 2023-08-16. Review status: criteria provided, single submitter. Criteria: Invitae Variant Classification Sherloc (09022015). Collection method: clinical testing. Allele origin: germline.
Comment: In summary, the currently available evidence indicates that the variant is pathogenic, but additional data are needed to prove that conclusively. Therefore, this variant has been classified as Likely Pathogenic. Algorithms developed to predict the effect of sequence changes on RNA splicing suggest that this variant may disrupt the consensus splice site. ClinVar contains an entry for this variant (Variation ID: 181950). Disruption of this splice site has been observed in individual(s) with clinical features of ATM-related conditions (PMID: 21665257, 22213089, 26681312). This variant is not present in population databases (gnomAD no frequency). This sequence change affects an acceptor splice site in intron 25 of the ATM gene. It is expected to disrupt RNA splicing. Variants that disrupt the donor or acceptor splice site typically lead to a loss of protein function (PMID: 16199547), and loss-of-function variants in ATM are known to be pathogenic (PMID: 23807571, 25614872).

Spanish ATM Cancer Susceptibility Variant Interpretation Working Group
Classification: Pathogenic for Hereditary cancer-predisposing syndrome. Last evaluated: 2020-06-17. Review status: criteria provided, single submitter. Criteria: Feliubadaló L et al. (Clin Chem 2021). Collection method: clinical testing. Allele origin: germline. Affected: yes. Observed: 2 heterozygotes. Clinical features observed: Breast carcinoma, Bilateral breast cancer.
Comment: The c.3747-1G>C variant is located in the canonical acceptor splice site of intron 25 and it is predicted to disrupt the canonical acceptor and activate a cryptic acceptor in position c.3760. The use of this new acceptor site would produce a shorter exon 26 and the disruption of the reading frame, triggering nonsense mediated decay (NMD) (PVS1). This variant was found in one ataxia-telangiectasia proband (PS4_Supporting; PMID: 22213089). Splicing analysis in carrier RNA shows the loss of the first 13 nucleotides of exon 26 leading to the predicted frameshift and NDM (A. Osorio, unpublished result). Assays performed with lymphoblastoid cell lines of an ataxia-telangiectasia patient showed that the ATM protein was absent and there was a clearly increased radiosensitivity (PS3_Moderate, PMID: 22213089). The variant is absent from the gnomAD v2.1.1 non-cancer dataset, in a position with adequate coverage (>20x) (PM2). Therefore, this variant meets criteria to be classified as pathogenic. Adapted ACMG/AMP rules applied as defined by the Spanish ATM working group: PVS1 + PS4_Supporting + PS3_Moderate + PM2 (PMID: 33280026).

GeneDx
Classification: Pathogenic. Last evaluated: 2014-06-03. Review status: criteria provided, single submitter. Criteria: GeneDx Variant Classification (06012015). Collection method: clinical testing. Allele origin: germline. Affected: yes.
Comment: This pathogenic variant is denoted ATM c.3747-1G>C or IVS25-1G>C and consists of a G>C nucleotide substitution at the -1 position of intron 25 of the ATM gene. The variant destroys a canonical splice acceptor site and is predicted to cause abnormal gene splicing, leading to either an abnormal message that is subject to nonsense-mediated mRNA decay or to an abnormal protein product. Based on the current evidence, we consider ATM c.3747-1G>C to be pathogenic.

Literature cited by the submitters: PubMed 22213089 (cited by 4 submitters); PubMed 26681312 (cited by Color Diagnostics, LLC DBA Color Health and Labcorp Genetics (formerly Invitae), Labcorp); PubMed 27913932 (cited by Color Diagnostics, LLC DBA Color Health); PubMed 28495237 (cited by Color Diagnostics, LLC DBA Color Health); PubMed 38415270 (cited by Color Diagnostics, LLC DBA Color Health); PubMed 21665257 (cited by Labcorp Genetics (formerly Invitae), Labcorp); PubMed 16199547 (cited by Labcorp Genetics (formerly Invitae), Labcorp); PubMed 23807571 (cited by Labcorp Genetics (formerly Invitae), Labcorp); PubMed 25614872 (cited by Labcorp Genetics (formerly Invitae), Labcorp).